The following is an entry in ClinVar:

NM_206926.2(SELENON):c.1267G>T (p.Asp423Tyr)

Gene: SELENON (selenoprotein N; plus strand). Cytogenetic location: 1p36.11.
Variant type: single nucleotide variant.
Coding change: c.1267G>T on transcript NM_206926.2 (MANE Select); coding-DNA position 1267, G replaced by T.
Protein change: p.Asp423Tyr; replaces aspartic acid 423 with tyrosine.
Molecular consequence: missense variant.
Genome position (GRCh38, 1-based): chr1:25,812,774, G>T. VCF-style: chr1-25812774-G-T. GRCh37 (hg19) VCF-style: chr1-26139265-G-T.
Other names: c.1369G>T, p.Asp457Tyr (NM_020451.3); short protein forms D423Y, D457Y.
Identifiers: ClinVar variation 836049 (VCV000836049.16), dbSNP rs2047977673, ClinGen allele CA339117845.

ClinVar aggregate classification (germline): Uncertain significance (1 of 4 stars; one submission).

Conditions:
Eichsfeld type congenital muscular dystrophy (CMYO3). Also called: MYOPATHY, SEPN1-RELATED; SELENON-related myopathy; Congenital myopathy 3 with rigid spine; Rigid spine muscular dystrophy 1. Identifiers: MedGen C0410180, MONDO:0100100, OMIM 602771.

Submission:

Labcorp Genetics (formerly Invitae), Labcorp
Classification: Uncertain significance for Eichsfeld type congenital muscular dystrophy. Last evaluated: 2022-08-09. Review status: criteria provided, single submitter. Criteria: Invitae Variant Classification Sherloc (09022015). Collection method: clinical testing. Allele origin: germline.
Comment: This sequence change replaces aspartic acid, which is acidic and polar, with tyrosine, which is neutral and polar, at codon 457 of the SELENON protein (p.Asp457Tyr). In summary, the available evidence is currently insufficient to determine the role of this variant in disease. Therefore, it has been classified as a Variant of Uncertain Significance. Algorithms developed to predict the effect of sequence changes on RNA splicing suggest that this variant may create or strengthen a splice site. Algorithms developed to predict the effect of missense changes on protein structure and function are either unavailable or do not agree on the potential impact of this missense change (SIFT: "Deleterious"; PolyPhen-2: "Probably Damaging"; Align-GVGD: "Class C0"). ClinVar contains an entry for this variant (Variation ID: 836049). This variant has not been reported in the literature in individuals affected with SELENON-related conditions. This variant is not present in population databases (gnomAD no frequency).